The following is an entry in ClinVar:

ClinVar aggregate classification (germline): Benign. Review status: criteria provided, multiple submitters, no conflicts (2 of 4 stars). 9 submissions from 9 submitters: Benign (8). 1 of the submissions does not count toward it. Last evaluated 2026-02-04.

Conditions:
Beta-D-mannosidosis (MANSB). Also called: BETA-MANNOSIDASE DEFICIENCY; LYSOSOMAL BETA-MANNOSIDASE DEFICIENCY; MANNOSIDOSIS, BETA A, LYSOSOMAL; Beta-Mannosidosis. Identifiers: Orphanet 118, MedGen C4048196, MONDO:0009562, OMIM 248510.

Allele frequency attached by ClinVar (database versions not stated): gnomAD exomes 0.54076 and 0.52096; TOPMed 0.56690; ExAC 0.53296; gnomAD 0.54939 and 0.55313; 1000 Genomes Project 30x 0.55918; ESP Exome Variant Server 0.54844; 1000 Genomes Project 0.54972.
gnomAD v4.1: 845,761 of 1,613,786 alleles (52%); highest among the groups gnomAD compares: Admixed American, 70%; 224,504 homozygotes.

Submissions (9):

Labcorp Genetics (formerly Invitae), Labcorp
Classification: Benign for Beta-D-mannosidosis. Last evaluated: 2026-02-04. Review status: criteria provided, single submitter. Criteria: Invitae Variant Classification Sherloc (09022015). Collection method: clinical testing. Allele origin: germline.

Genome-Nilou Lab
Classification: Benign for Beta-D-mannosidosis. Last evaluated: 2021-09-05. Review status: criteria provided, single submitter. Criteria: ACMG Guidelines, 2015. Collection method: clinical testing. Allele origin: germline. Affected: no.

Women's Health and Genetics/Laboratory Corporation of America, LabCorp
Classification: Benign. Last evaluated: 2021-03-21. Review status: criteria provided, single submitter. Criteria: LabCorp Variant Classification Summary - May 2015. Collection method: clinical testing. Allele origin: germline.

GeneDx
Classification: Benign. Last evaluated: 2018-06-13. Review status: criteria provided, single submitter. Criteria: GeneDx Variant Classification (06012015). Collection method: clinical testing. Allele origin: germline. Affected: yes.
Comment: This variant is considered likely benign or benign based on one or more of the following criteria: it is a conservative change, it occurs at a poorly conserved position in the protein, it is predicted to be benign by multiple in silico algorithms, and/or has population frequency not consistent with disease.

Illumina Laboratory Services, Illumina
Classification: Benign for Beta-D-mannosidosis. Last evaluated: 2018-01-13. Review status: criteria provided, single submitter. Criteria: ICSL Variant Classification Criteria 13 December 2019. Collection method: clinical testing. Allele origin: germline.
Comment: This variant was observed in the ICSL laboratory as part of a predisposition screen in an ostensibly healthy population. It had not been previously curated by ICSL or reported in the Human Gene Mutation Database (HGMD: prior to June 1st, 2018), and was therefore a candidate for classification through an automated scoring system. Utilizing variant allele frequency, disease prevalence and penetrance estimates, and inheritance mode, an automated score was calculated to assess if this variant is too frequent to cause the disease. Based on the score and internal cut-off values, a variant classified as benign is not then subjected to further curation. The score for this variant resulted in a classification of benign for this disease.

Laboratory for Molecular Medicine, Mass General Brigham Personalized Medicine
Classification: Benign. Last evaluated: 2016-03-29. Review status: criteria provided, single submitter. Criteria: LMM Criteria. Collection method: clinical testing. Allele origin: germline.
Comment: Variant identified in a genome or exome case(s) and assessed due to predicted null impact of the variant or pathogenic assertions in the literature or databases. Disclaimer: This variant has not undergone full assessment. The following are preliminary notes: Frequency

Eurofins Ntd Llc (ga)
Classification: Benign. Last evaluated: 2013-01-16. Review status: criteria provided, single submitter. Criteria: EGL Classification Definitions 2015. Collection method: clinical testing. Allele origin: germline. Observed: 1 variant allele, 1 heterozygote.

Breakthrough Genomics
Classification: Benign. Review status: criteria provided, single submitter. Criteria: ACMG Guidelines, 2015. Collection method: not provided. Allele origin: germline. Inheritance: Autosomal recessive inheritance. Affected: yes.

Mayo Clinic Laboratories, Mayo Clinic
Classification: Benign. Last evaluated: 2015-10-23. Review status: no assertion criteria provided. Collection method: clinical testing. Allele origin: unknown. Not counted in ClinVar's aggregate classification.

NM_005908.4(MANBA):c.2368T>C (p.Leu790=)

Gene: MANBA (mannosidase beta; minus strand). Cytogenetic location: 4q24.
Variant type: single nucleotide variant.
Coding change: c.2368T>C on transcript NM_005908.4 (MANE Select); coding-DNA position 2368, T replaced by C.
Protein change: p.Leu790=; no amino-acid change (leucine 790 retained).
Molecular consequence: synonymous variant.
Genome position (GRCh38, 1-based): chr4:102,634,835, A>G on the plus strand (T>C on the coding strand, the complement: MANBA is on the minus strand). VCF-style: chr4-102634835-A-G. GRCh37 (hg19) VCF-style: chr4-103555992-A-G.
Identifiers: ClinVar variation 95320 (VCV000095320.26), dbSNP rs2272697, ClinGen allele CA148429.
Genomic context (GRCh38, chr4:102,634,835, plus strand): 5'-GACCTGTGCTTACAGTGATCTGCGCCTTGCAGAGCCCCACGGCCTCCTTCGGTGAGGACA[A>G]GAAGTGGTAGTTGGTCGGGCTCAGGAGTTCATGGTCAGCTGAAAGGTAAAAGGAAACCAC-3'
Protein context (NP_005899.3, residues 780-800): ELLSPTNYHF[Leu790=]SSPKEAVGLC